The following is an entry in ClinVar:

ClinVar aggregate classification (germline): Likely benign (1 of 4 stars; one submission).

Allele frequency attached by ClinVar (database versions not stated): ESP Exome Variant Server 0.00123; ExAC 0.00124; TOPMed 0.00135; 1000 Genomes Project 0.00060; 1000 Genomes Project 30x 0.00078; gnomAD exomes 0.00092; gnomAD 0.00095.
gnomAD v4.1: 1,560 of 1,599,118 alleles (0.098%); highest among the groups gnomAD compares: Middle Eastern, 0.74%; 5 homozygotes.

Submission:

CeGaT Center for Human Genetics Tuebingen
Classification: Likely benign. Last evaluated: 2026-08-01. Review status: criteria provided, single submitter. Criteria: CeGaT Center For Human Genetics Tuebingen Variant Classification Criteria Version 2. Collection method: clinical testing. Allele origin: germline. Affected: yes. Observed: 3 variant alleles.
Comment: SALL1: BS1

NM_002968.3(SALL1):c.3534+25C>T

Gene: SALL1 (spalt like transcription factor 1; minus strand). Cytogenetic location: 16q12.1.
Variant type: single nucleotide variant.
Coding change: c.3534+25C>T on transcript NM_002968.3 (MANE Select); 25 bases into the intron after coding-DNA position 3534, C replaced by T.
Molecular consequence: intron variant.
Genome position (GRCh38, 1-based): chr16:51,138,663, G>A on the plus strand (C>T on the coding strand, the complement: SALL1 is on the minus strand). VCF-style: chr16-51138663-G-A. GRCh37 (hg19) VCF-style: chr16-51172574-G-A.
Other names: c.3243+25C>T (NM_001127892.2).
Identifiers: ClinVar variation 2498662 (VCV002498662.28), dbSNP rs144390055, ClinGen allele CA8052912.
Genomic context (GRCh38, chr16:51,138,663, plus strand): 5'-TGACTCTGGGGGCATGCATTATAGATAATCAATGGCAGTGGGACAGGGTTGATGGAGCAG[G>A]TATGGTGCAGAGAGAGCAAGGTACCTTAAGATTGCCTTTAGTCGTGAAAGCTCTTCCACA-3'